The following is an entry in ClinVar:

ClinVar aggregate classification (germline): Conflicting classifications of pathogenicity. Review status: criteria provided, conflicting classifications (1 of 4 stars). 5 submissions from 5 submitters: Uncertain significance (2); Likely benign (3). Last evaluated 2025-11-01.

Conditions:
Cardiovascular phenotype. Identifiers: MedGen CN230736.
Brugada syndrome. Also called: Sudden unexpected nocturnal death syndrome; Sudden Unexplained Death Syndrome; Sudden Unexplained Nocturnal Death Syndrome (SUNDS); Sudden unexplained nocturnal death syndrome. Identifiers: Orphanet 130, MedGen C1142166, MONDO:0015263.

Allele frequency attached by ClinVar (database versions not stated): TOPMed 0.00001.
gnomAD v4.1: 27 of 1,613,992 alleles (0.0017%); highest among the groups gnomAD compares: Admixed American, 0.045%; no homozygotes.

Submissions (5):

CeGaT Center for Human Genetics Tuebingen
Classification: Likely benign. Last evaluated: 2025-11-01. Review status: criteria provided, single submitter. Criteria: CeGaT Center For Human Genetics Tuebingen Variant Classification Criteria Version 2. Collection method: clinical testing. Allele origin: germline. Affected: yes. Observed: 1 variant allele.
Comment: SCN10A: BS1

Labcorp Genetics (formerly Invitae), Labcorp
Classification: Likely benign for Brugada syndrome. Last evaluated: 2025-10-20. Review status: criteria provided, single submitter. Criteria: Invitae Variant Classification Sherloc (09022015). Collection method: clinical testing. Allele origin: germline.

Women's Health and Genetics/Laboratory Corporation of America, LabCorp
Classification: Uncertain significance. Last evaluated: 2025-04-23. Review status: criteria provided, single submitter. Criteria: LabCorp Variant Classification Summary - May 2015. Collection method: clinical testing. Allele origin: germline.
Comment: Variant summary: SCN10A c.562C>G (p.Pro188Ala) results in a non-conservative amino acid change in the encoded protein sequence. Four of five in-silico tools predict a damaging effect of the variant on protein function. The variant allele was found at a frequency of 0.00011 in 251462 control chromosomes. This frequency is not significantly higher than estimated for a pathogenic variant in SCN10A causing Episodic pain syndrome, familial, 2, allowing no conclusion about variant significance. To our knowledge, no occurrence of c.562C>G in individuals affected with Episodic pain syndrome, familial, 2 and no experimental evidence demonstrating its impact on protein function have been reported. ClinVar contains an entry for this variant (Variation ID: 698884). Based on the evidence outlined above, the variant was classified as uncertain significance.

GeneDx
Classification: Uncertain significance. Last evaluated: 2023-08-03. Review status: criteria provided, single submitter. Criteria: GeneDx Variant Classification Process June 2021. Collection method: clinical testing. Allele origin: germline. Affected: yes.
Comment: In silico analysis supports that this missense variant has a deleterious effect on protein structure/function; Has not been previously published as pathogenic or benign to our knowledge

Ambry Genetics
Classification: Likely benign for Cardiovascular phenotype. Last evaluated: 2022-07-06. Review status: criteria provided, single submitter. Criteria: Ambry Variant Classification Scheme 2023. Collection method: clinical testing. Allele origin: germline.

NM_006514.4(SCN10A):c.562C>G (p.Pro188Ala)

Gene: SCN10A (sodium voltage-gated channel alpha subunit 10; minus strand). Cytogenetic location: 3p22.2.
Variant type: single nucleotide variant.
Coding change: c.562C>G on transcript NM_006514.4 (MANE Select); coding-DNA position 562, C replaced by G.
Protein change: p.Pro188Ala; replaces proline 188 with alanine.
Molecular consequence: missense variant.
Genome position (GRCh38, 1-based): chr3:38,771,316, G>C on the plus strand (C>G on the coding strand, the complement: SCN10A is on the minus strand). VCF-style: chr3-38771316-G-C. GRCh37 (hg19) VCF-style: chr3-38812807-G-C.
Other names: c.562C>G, p.Pro188Ala (NM_001293306.2, NM_001293307.2); short protein forms P188A.
Identifiers: ClinVar variation 698884 (VCV000698884.20), dbSNP rs767815241, ClinGen allele CA2321165.